The following is an entry in ClinVar:

NM_001556.3(IKBKB):c.1986+7G>A

Gene: IKBKB (inhibitor of nuclear factor kappa B kinase subunit beta; plus strand). Cytogenetic location: 8p11.21.
Variant type: single nucleotide variant.
Coding change: c.1986+7G>A on transcript NM_001556.3 (MANE Select); 7 bases into the intron after coding-DNA position 1986, G replaced by A.
Molecular consequence: intron variant.
Genome position (GRCh38, 1-based): chr8:42,322,501, G>A. VCF-style: chr8-42322501-G-A. GRCh37 (hg19) VCF-style: chr8-42180019-G-A.
Other names: c.1809+7G>A (NM_001242778.2); c.1794+7G>A (NM_001190720.3).
Identifiers: ClinVar variation 3616710 (VCV003616710.2).

ClinVar aggregate classification (germline): Uncertain significance (1 of 4 stars; one submission).

Conditions:
Severe combined immunodeficiency due to IKK2 deficiency. Also called: IMMUNODEFICIENCY 15B; Immunodeficiency 15. Identifiers: Orphanet 397787, MedGen C4747743, MONDO:0014267, OMIM 615592.

gnomAD v4.1: 4 of 1,613,558 alleles (0.00025%); highest among the groups gnomAD compares: South Asian, 0.0011%; no homozygotes.

Submission:

Labcorp Genetics (formerly Invitae), Labcorp
Classification: Uncertain significance for Severe combined immunodeficiency due to IKK2 deficiency. Last evaluated: 2024-05-26. Review status: criteria provided, single submitter. Criteria: Invitae Variant Classification Sherloc (09022015). Collection method: clinical testing. Allele origin: germline.
Comment: This sequence change falls in intron 19 of the IKBKB gene. It does not directly change the encoded amino acid sequence of the IKBKB protein. This variant is present in population databases (rs374216597, gnomAD 0.003%). This variant has not been reported in the literature in individuals affected with IKBKB-related conditions. Algorithms developed to predict the effect of sequence changes on RNA splicing suggest that this variant may disrupt the consensus splice site. In summary, the available evidence is currently insufficient to determine the role of this variant in disease. Therefore, it has been classified as a Variant of Uncertain Significance.